The following is an entry in ClinVar:

NM_000059.4(BRCA2):c.9463_9464insGAT (p.Phe3155Ter)

Gene: BRCA2 (BRCA2 DNA repair associated; plus strand). Cytogenetic location: 13q13.1.
Variant type: Insertion.
Coding change: c.9463_9464insGAT on transcript NM_000059.4 (MANE Select); coding-DNA positions 9463 to 9464, GAT inserted.
Protein change: p.Phe3155Ter; replaces phenylalanine 3155 with a stop codon.
Molecular consequence: nonsense. On other transcripts: inframe indel (4).
Genome position: GRCh38 VCF-style: chr13-32394894-C-CTGA. GRCh37 (hg19) VCF-style: chr13-32969031-C-CTGA.
Other names: c.9367_9368insGAT, p.Phe3123_Ile3386del (NM_001406719.1); c.9412_9413insGAT, p.Phe3138_Ile3401del (NM_001406720.1); c.4531_4532insGAT, p.Phe1511_Ile1774del (NM_001406721.1); c.3046_3047insGAT, p.Phe1016_Ile1279del (NM_001406722.1); short protein forms F3155*.
Identifiers: ClinVar variation 1767045 (VCV001767045.2), dbSNP rs2548562468, ClinGen allele CA2580087375.

ClinVar aggregate classification (germline): Pathogenic (1 of 4 stars; one submission).

Conditions:
Hereditary cancer-predisposing syndrome. Also called: Hereditary Cancer Syndrome; Hereditary neoplastic syndrome; Neoplastic Syndromes, Hereditary; Tumor predisposition. Identifiers: Orphanet 140162, MedGen C0027672, MeSH D009386, MONDO:0015356.

Submission:

Ambry Genetics
Classification: Pathogenic for Hereditary cancer-predisposing syndrome. Last evaluated: 2021-11-23. Review status: criteria provided, single submitter. Criteria: Ambry Variant Classification Scheme 2023. Collection method: clinical testing. Allele origin: germline.
Comment: The c.9463_9464insGAT pathogenic mutation (also known as p.H3154_F3155ins*), located in coding exon 24 of the BRCA2 gene, results from an in-frame GAT insertion at nucleotide positions 9463 to 9464. This results in the insertion of a stop codon between codons 3154 and 3155. This variant is considered to be rare based on population cohorts in the Genome Aggregation Database (gnomAD). This alteration is expected to result in loss of function by premature protein truncation or nonsense-mediatedmRNAdecay.As such, this alteration is interpreted as a disease-causing mutation.